The following is an entry in ClinVar:

ClinVar aggregate classification (germline): Likely benign (1 of 4 stars; one submission).

Conditions:
Piebaldism. Also called: Piebald skin depigmentation. Identifiers: Orphanet 2884, MedGen C0080024, MONDO:0008244, OMIM 172800, HP:0007544.

Allele frequency attached by ClinVar (database versions not stated): gnomAD 0.00051 and 0.00077; TOPMed 0.00062; 1000 Genomes Project 0.00339.

Submission:

Illumina Laboratory Services, Illumina
Classification: Likely benign for Piebaldism. Last evaluated: 2018-01-13. Review status: criteria provided, single submitter. Criteria: ICSL Variant Classification Criteria 13 December 2019. Collection method: clinical testing. Allele origin: germline.
Comment: This variant was observed in the ICSL laboratory as part of a predisposition screen in an ostensibly healthy population. It had not been previously curated by ICSL or reported in the Human Gene Mutation Database (HGMD: prior to June 1st, 2018), and was therefore a candidate for classification through an automated scoring system. Utilizing variant allele frequency, disease prevalence and penetrance estimates, and inheritance mode, an automated score was calculated to assess if this variant is too frequent to cause the disease. Based on the score and internal cut-off values, a variant classified as likely benign is not then subjected to further curation. The score for this variant resulted in a classification of likely benign for this disease.

NM_003068.5(SNAI2):c.*149C>A

Gene: SNAI2 (snail family transcriptional repressor 2; minus strand). Cytogenetic location: 8q11.21.
Variant type: single nucleotide variant.
Coding change: c.*149C>A on transcript NM_003068.5 (MANE Select); 149 bases downstream of the stop codon, C replaced by A.
Molecular consequence: 3 prime UTR variant.
Genome position (GRCh38, 1-based): chr8:48,918,658, G>T on the plus strand (C>A on the coding strand, the complement: SNAI2 is on the minus strand). VCF-style: chr8-48918658-G-T. GRCh37 (hg19) VCF-style: chr8-49831217-G-T.
Identifiers: ClinVar variation 363261 (VCV000363261.5), dbSNP rs529175130, ClinGen allele CA10625562.